The following is an entry in ClinVar:

NM_000208.4(INSR):c.3193C>G (p.Leu1065Val)

Gene: INSR (insulin receptor; minus strand). Cytogenetic location: 19p13.2.
Variant type: single nucleotide variant.
Coding change: c.3193C>G on transcript NM_000208.4 (MANE Select); coding-DNA position 3193, C replaced by G.
Protein change: p.Leu1065Val; replaces leucine 1065 with valine.
Molecular consequence: missense variant.
Genome position (GRCh38, 1-based): chr19:7,125,348, G>C on the plus strand (C>G on the coding strand, the complement: INSR is on the minus strand). VCF-style: chr19-7125348-G-C. GRCh37 (hg19) VCF-style: chr19-7125359-G-C.
Other names: c.3157C>G, p.Leu1053Val (NM_001079817.3); c.3193C>G (NM_000208.3); short protein forms L1065V, L1053V.
Identifiers: ClinVar variation 194702 (VCV000194702.13), dbSNP rs56395521, ClinGen allele CA240819.

ClinVar aggregate classification (germline): Uncertain significance. Review status: criteria provided, multiple submitters, no conflicts (2 of 4 stars). 8 submissions from 6 submitters: Uncertain significance (8). Last evaluated 2026-02-26.

Conditions:
INSR-related disorder.
Leprechaunism syndrome. Also called: LEPRECHAUNISM; Donohue syndrome. Identifiers: Orphanet 508, MedGen C0265344, MONDO:0009517, OMIM 246200.
Insulin-resistant diabetes mellitus AND acanthosis nigricans. Also called: INSULIN RECEPTOR, DEFECT IN, WITH INSULIN-RESISTANT DIABETES MELLITUS AND ACANTHOSIS NIGRICANS; IRAN, TYPE A; type A insulin resistance; DIABETES MELLITUS, INSULIN-RESISTANT, WITH ACANTHOSIS NIGRICANS, TYPE A; Insulin-resistance syndrome type A. Identifiers: Orphanet 2297, MedGen C0342278, MONDO:0012520, OMIM 610549.
Hyperinsulinism due to INSR deficiency. Also called: Hyperinsulinism due to glutamodehydrogenase deficiency. Identifiers: Orphanet 263458, MedGen C1864952, MONDO:0012381, OMIM 609968.
Rabson-Mendenhall syndrome. Also called: Pineal Hyperplasia, Insulin-Resistant Diabetes Mellitus, and Somatic Abnormalities; MENDENHALL SYNDROME; Pineal hyperplasia AND diabetes mellitus syndrome. Identifiers: Orphanet 769, MedGen C0271695, MONDO:0009874, OMIM 262190.

Allele frequency attached by ClinVar (database versions not stated): 1000 Genomes Project 30x 0.00016; 1000 Genomes Project 0.00020; gnomAD 0.00021; ExAC 0.00022; gnomAD exomes 0.00028 and 0.00065; TOPMed 0.00035; ESP Exome Variant Server 0.00054.
gnomAD v4.1: 950 of 1,614,094 alleles (0.059%); highest among the groups gnomAD compares: Non-Finnish European, 0.078%; no homozygotes.

Submissions (8):

PreventionGenetics, part of Exact Sciences
Classification: Uncertain significance for INSR-related condition. Last evaluated: 2026-02-26. Review status: criteria provided, single submitter. Criteria: ACMG Guidelines, 2015. Collection method: clinical testing. Allele origin: germline.
Comment: The INSR c.3193C>G variant is predicted to result in the amino acid substitution p.Leu1065Val. To our knowledge, this variant has not been reported in association with INSR-related disorders in the literature. This variant is reported in 0.054% of alleles in individuals of European (Non-Finnish) descent in gnomAD. At this time, the clinical significance of this variant is uncertain due to the absence of conclusive functional and genetic evidence.

Blueprint Genetics
Classification: Uncertain significance. Last evaluated: 2024-09-10. Review status: criteria provided, single submitter. Criteria: ACMG Guidelines, 2015. Collection method: clinical testing. Allele origin: germline.

Fulgent Genetics
Classification: Uncertain significance for Leprechaunism syndrome; Rabson-Mendenhall syndrome; Hyperinsulinism due to INSR deficiency; Insulin-resistant diabetes mellitus AND acanthosis nigricans. Last evaluated: 2022-05-17. Review status: criteria provided, single submitter. Criteria: ACMG Guidelines, 2015. Collection method: clinical testing. Allele origin: unknown.

Baylor Genetics
Classification: Uncertain significance for Hyperinsulinism due to INSR deficiency. Last evaluated: 2019-02-14. Review status: criteria provided, single submitter. Criteria: ACMG Guidelines, 2015. Collection method: clinical testing. Allele origin: unknown. Affected: yes.
Comment: This variant was determined to be of uncertain significance according to ACMG Guidelines, 2015 [PMID:25741868].

Illumina Laboratory Services, Illumina
Classification: Uncertain significance for Leprechaunism syndrome. Last evaluated: 2018-01-12. Review status: criteria provided, single submitter. Criteria: ICSL Variant Classification Criteria 13 December 2019. Collection method: clinical testing. Allele origin: germline.

Illumina Laboratory Services, Illumina
Classification: Uncertain significance for Rabson-Mendenhall syndrome. Last evaluated: 2018-01-12. Review status: criteria provided, single submitter. Criteria: ICSL Variant Classification Criteria 13 December 2019. Collection method: clinical testing. Allele origin: germline.

Illumina Laboratory Services, Illumina
Classification: Uncertain significance for Insulin-resistant diabetes mellitus AND acanthosis nigricans. Last evaluated: 2018-01-12. Review status: criteria provided, single submitter. Criteria: ICSL Variant Classification Criteria 13 December 2019. Collection method: clinical testing. Allele origin: germline.

Eurofins Ntd Llc (ga)
Classification: Uncertain significance. Last evaluated: 2015-03-20. Review status: criteria provided, single submitter. Criteria: EGL Classification Definitions 2015. Collection method: clinical testing. Allele origin: germline. Observed: 2 variant alleles, 2 heterozygotes.